The following is an entry in ClinVar:

NM_004984.4(KIF5A):c.1622G>A (p.Gly541Glu)

Gene: KIF5A (kinesin family member 5A; plus strand). Cytogenetic location: 12q13.3.
Variant type: single nucleotide variant.
Coding change: c.1622G>A on transcript NM_004984.4 (MANE Select); coding-DNA position 1622, G replaced by A.
Protein change: p.Gly541Glu; replaces glycine 541 with glutamic acid.
Molecular consequence: missense variant.
Genome position (GRCh38, 1-based): chr12:57,572,632, G>A. VCF-style: chr12-57572632-G-A. GRCh37 (hg19) VCF-style: chr12-57966415-G-A.
Other names: c.1355G>A, p.Gly452Glu (NM_001354705.2); short protein forms G541E, G452E.
Identifiers: ClinVar variation 3637611 (VCV003637611.2).
Genomic context (GRCh38, chr12:57,572,632, plus strand): 5'-GTCCCCAGGCCACCATGCTGTCCCTGGAGTCTGAGTTGCAGCGGCTACAGGAGGTCAGTG[G>A]ACACCAGCGAAAACGAATTGCTGAGGTGCTGAACGGGCTGATGAAGGATCTGAGCGAGTT-3'
Protein context (NP_004975.2, residues 531-551): SELQRLQEVS[Gly541Glu]HQRKRIAEVL

ClinVar aggregate classification (germline): Uncertain significance (1 of 4 stars; one submission).

Conditions:
Spastic paraplegia. Identifiers: MedGen C0037772, HP:0001258.

Submission:

Labcorp Genetics (formerly Invitae), Labcorp
Classification: Uncertain significance for Spastic paraplegia. Last evaluated: 2024-06-05. Review status: criteria provided, single submitter. Criteria: Invitae Variant Classification Sherloc (09022015). Collection method: clinical testing. Allele origin: germline.
Comment: This sequence change replaces glycine, which is neutral and non-polar, with glutamic acid, which is acidic and polar, at codon 541 of the KIF5A protein (p.Gly541Glu). This variant is not present in population databases (gnomAD no frequency). This variant has not been reported in the literature in individuals affected with KIF5A-related conditions. Advanced modeling of protein sequence and biophysical properties (such as structural, functional, and spatial information, amino acid conservation, physicochemical variation, residue mobility, and thermodynamic stability) performed at Invitae indicates that this missense variant is not expected to disrupt KIF5A protein function with a negative predictive value of 95%. In summary, the available evidence is currently insufficient to determine the role of this variant in disease. Therefore, it has been classified as a Variant of Uncertain Significance.